The following is an entry in ClinVar:

NM_001379291.1(BRD4):c.2980C>T (p.Pro994Ser)

Gene: BRD4 (bromodomain containing 4; minus strand). Cytogenetic location: 19p13.12.
Variant type: single nucleotide variant.
Coding change: c.2980C>T on transcript NM_001379291.1 (MANE Select); coding-DNA position 2980, C replaced by T.
Protein change: p.Pro994Ser; replaces proline 994 with serine.
Molecular consequence: missense variant.
Genome position (GRCh38, 1-based): chr19:15,243,089, G>A on the plus strand (C>T on the coding strand, the complement: BRD4 is on the minus strand). VCF-style: chr19-15243089-G-A. GRCh37 (hg19) VCF-style: chr19-15353900-G-A.
Other names: c.2980C>T, p.Pro994Ser (NM_058243.3); short protein forms P994S.
Identifiers: ClinVar variation 2187204 (VCV002187204.4), dbSNP rs1455470381, ClinGen allele CA404503670.
Genomic context (GRCh38, chr19:15,243,089, plus strand): 5'-GTGGCGGGGGCTGTTGGATGTGGGTGGAAAACTGCATGGGCTGCAAGTGCACGGGCCGTG[G>A]AGGGGGCTGATGCTGCTGCTGGGGTGGAGGCTGGGGCTGGGGTGGTGGGGGTGGTGGCGG-3'
Protein context (NP_001366220.1, residues 984-1004): PPPQQQHQPP[Pro994Ser]RPVHLQPMQF

ClinVar aggregate classification (germline): Uncertain significance (1 of 4 stars; one submission).

Allele frequency attached by ClinVar (database versions not stated): gnomAD 0.00003.

Submission:

Labcorp Genetics (formerly Invitae), Labcorp
Classification: Uncertain significance. Last evaluated: 2025-10-23. Review status: criteria provided, single submitter. Criteria: Invitae Variant Classification Sherloc (09022015). Collection method: clinical testing. Allele origin: germline.
Comment: This sequence change replaces proline, which is neutral and non-polar, with serine, which is neutral and polar, at codon 994 of the BRD4 protein (p.Pro994Ser). This variant is present in population databases (no rsID available, gnomAD 0.003%). This variant has not been reported in the literature in individuals affected with BRD4-related conditions. ClinVar contains an entry for this variant (Variation ID: 2187204). An algorithm developed to predict the effect of missense changes on protein structure and function (PolyPhen-2) suggests that this variant is likely to be disruptive. In summary, the available evidence is currently insufficient to determine the role of this variant in disease. Therefore, it has been classified as a Variant of Uncertain Significance.